The following is an entry in ClinVar:

ClinVar aggregate classification (germline): Conflicting classifications of pathogenicity. Review status: criteria provided, conflicting classifications (1 of 4 stars). 10 submissions from 8 submitters: Uncertain significance (7); Likely benign (3). Last evaluated 2026-08-24.

Conditions:
RLBP1-related disorder. Also called: RLBP1-related condition; RLBP1-related disorders. Identifiers: MedGen CN239413.
Retinal dystrophy. Also called: Inherited retinal dystrophy. Identifiers: Orphanet 71862, MedGen C0854723, MeSH D058499, MONDO:0019118, HP:0000556.
Retinitis pigmentosa (RP). Identifiers: Orphanet 791, MedGen C0035334, MeSH D012174, MONDO:0019200, OMIM 268000. Inheritance: Autosomal dominant, autosomal recessive and X linked inheritance.
Pigmentary retinal dystrophy. Also called: Fundus albipunctatus. Identifiers: Orphanet 227796, Orphanet 52427, MedGen C0311338, MONDO:0007639, OMIM 136880, HP:0030642.
Newfoundland cone-rod dystrophy. Identifiers: MedGen C1843815, MONDO:0011839, OMIM 607476.

Allele frequency attached by ClinVar (database versions not stated): 1000 Genomes Project 0.00040; 1000 Genomes Project 30x 0.00047; gnomAD exomes 0.00073 and 0.00128; TOPMed 0.00074; gnomAD 0.00079 and 0.00084; ExAC 0.00080; ESP Exome Variant Server 0.00123.
gnomAD v4.1: 1,953 of 1,614,220 alleles (0.12%); highest among the groups gnomAD compares: Non-Finnish European, 0.16%; 1 homozygote.

Submissions (10):

PreventionGenetics, part of Exact Sciences
Classification: Uncertain significance for RLBP1-related condition. Last evaluated: 2026-08-24. Review status: criteria provided, single submitter. Criteria: ACMG Guidelines, 2015. Collection method: clinical testing. Allele origin: germline.
Comment: The RLBP1 c.545T>G variant is predicted to result in the amino acid substitution p.Phe182Cys. This variant has been reported as an additional variant in a solved case from a cohort study of retinal disease (Eisenberger et al. 2013. PubMed ID: 24265693); this variant was also described in large cohorts of individuals with retinal disease (supplementary data, Fadaie et al. 2021. PubMed ID: 34795310; Morimura et al. 1999. PubMed ID: 10102299). However, this variant is reported in 0.14% of alleles in individuals of European (Non-Finnish) descent in gnomAD, which may be too common to be a primary cause of disease. Although we suspect that this variant may be benign, at this time, the clinical significance of this variant is uncertain due to the absence of conclusive functional and genetic evidence.

CeGaT Center for Human Genetics Tuebingen
Classification: Likely benign. Last evaluated: 2026-08-01. Review status: criteria provided, single submitter. Criteria: CeGaT Center For Human Genetics Tuebingen Variant Classification Criteria Version 2. Collection method: clinical testing. Allele origin: germline. Affected: yes. Observed: 1 variant allele.
Comment: RLBP1: BS2

Blueprint Genetics
Classification: Likely benign. Last evaluated: 2024-09-13. Review status: criteria provided, single submitter. Criteria: ACMG Guidelines, 2015. Collection method: clinical testing. Allele origin: germline.

Labcorp Genetics (formerly Invitae), Labcorp
Classification: Uncertain significance. Last evaluated: 2022-10-13. Review status: criteria provided, single submitter. Criteria: Invitae Variant Classification Sherloc (09022015). Collection method: clinical testing. Allele origin: germline.
Comment: This sequence change replaces phenylalanine, which is neutral and non-polar, with cysteine, which is neutral and slightly polar, at codon 182 of the RLBP1 protein (p.Phe182Cys). This variant is present in population databases (rs142244640, gnomAD 0.1%), and has an allele count higher than expected for a pathogenic variant. This missense change has been observed in individual(s) with retinitis pigmentosa (PMID: 10102299, 34795310). ClinVar contains an entry for this variant (Variation ID: 281739). Advanced modeling of protein sequence and biophysical properties (such as structural, functional, and spatial information, amino acid conservation, physicochemical variation, residue mobility, and thermodynamic stability) performed at Invitae indicates that this missense variant is not expected to disrupt RLBP1 protein function. In summary, the available evidence is currently insufficient to determine the role of this variant in disease. Therefore, it has been classified as a Variant of Uncertain Significance.

Women's Health and Genetics/Laboratory Corporation of America, LabCorp
Classification: Likely benign. Last evaluated: 2022-03-08. Review status: criteria provided, single submitter. Criteria: LabCorp Variant Classification Summary - May 2015. Collection method: clinical testing. Allele origin: germline.
Comment: Variant summary: RLBP1 c.545T>G (p.Phe182Cys) results in a non-conservative amino acid change located in the CRAL-TRIO lipid binding domain (IPR001251) of the encoded protein sequence. Four of five in-silico tools predict a damaging effect of the variant on protein function. The variant allele was found at a frequency of 0.00073 in 251358 control chromosomes (gnomAD), predominantly at a frequency of 0.0015 within the Non-Finnish European subpopulation in the gnomAD database. The observed variant frequency within Non-Finnish European control individuals in the gnomAD database is approximately 2.4 fold of the estimated maximal expected allele frequency for a pathogenic variant in RLBP1 causing Retinitis Pigmentosa phenotype (0.00063), suggesting that the variant is a benign polymorphism. c.545T>G has been reported in the literature in heterozygous state in individuals affected with retinitis (Morimura_1999, Eisenberger_2013, Fadaie_2021), however, at least one of these individuals was noted to carry another variant, which could potentially explain the phenotype (Eisenberger_2013). These reports do not provide unequivocal conclusions about association of the variant with Retinitis Pigmentosa. To our knowledge, no experimental evidence demonstrating an impact on protein function has been reported. Three ClinVar submitters have assessed the variant since 2014: all have classified the variant as of uncertain significance. Based on the evidence outlined above, the variant was classified as likely benign.

Institute of Human Genetics, Univ. Regensburg, Univ. Regensburg
Classification: Uncertain significance for Retinal dystrophy. Last evaluated: 2022-01-01. Review status: criteria provided, single submitter. Criteria: ACMG Guidelines, 2015. Collection method: clinical testing. Allele origin: germline. Affected: yes.

Illumina Laboratory Services, Illumina
Classification: Uncertain significance for Pigmentary retinal dystrophy. Last evaluated: 2018-01-12. Review status: criteria provided, single submitter. Criteria: ICSL Variant Classification Criteria 13 December 2019. Collection method: clinical testing. Allele origin: germline.

Illumina Laboratory Services, Illumina
Classification: Uncertain significance for Retinitis pigmentosa. Last evaluated: 2018-01-12. Review status: criteria provided, single submitter. Criteria: ICSL Variant Classification Criteria 13 December 2019. Collection method: clinical testing. Allele origin: germline.

Illumina Laboratory Services, Illumina
Classification: Uncertain significance for Newfoundland cone-rod dystrophy. Last evaluated: 2018-01-12. Review status: criteria provided, single submitter. Criteria: ICSL Variant Classification Criteria 13 December 2019. Collection method: clinical testing. Allele origin: germline.

Eurofins Ntd Llc (ga)
Classification: Uncertain significance. Last evaluated: 2015-07-15. Review status: criteria provided, single submitter. Criteria: EGL Classification Definitions 2015. Collection method: clinical testing. Allele origin: germline. Observed: 1 variant allele, 1 heterozygote.

Literature cited by the submitters: PubMed 10102299 (cited by Labcorp Genetics (formerly Invitae), Labcorp and Women's Health and Genetics/Laboratory Corporation of America, LabCorp); PubMed 34795310 (cited by Labcorp Genetics (formerly Invitae), Labcorp and Women's Health and Genetics/Laboratory Corporation of America, LabCorp); PubMed 24265693 (cited by Women's Health and Genetics/Laboratory Corporation of America, LabCorp and Institute of Human Genetics, Univ. Regensburg, Univ. Regensburg).

NM_000326.5(RLBP1):c.545T>G (p.Phe182Cys)

Gene: RLBP1 (retinaldehyde binding protein 1; minus strand). Cytogenetic location: 15q26.1.
Variant type: single nucleotide variant.
Coding change: c.545T>G on transcript NM_000326.5 (MANE Select); coding-DNA position 545, T replaced by G.
Protein change: p.Phe182Cys; replaces phenylalanine 182 with cysteine.
Molecular consequence: missense variant.
Genome position (GRCh38, 1-based): chr15:89,211,882, A>C on the plus strand (T>G on the coding strand, the complement: RLBP1 is on the minus strand). VCF-style: chr15-89211882-A-C. GRCh37 (hg19) VCF-style: chr15-89755113-A-C.
Other names: short protein forms F182C.
Identifiers: ClinVar variation 281739 (VCV000281739.19), dbSNP rs142244640, ClinGen allele CA7722243.